The following is an entry in ClinVar:

NM_198428.3(BBS9):c.112+1G>A

Gene: BBS9 (Bardet-Biedl syndrome 9; plus strand). Cytogenetic location: 7p14.3.
Variant type: single nucleotide variant.
Coding change: c.112+1G>A on transcript NM_198428.3 (MANE Select); the canonical splice donor site of the intron after coding-DNA position 112, G replaced by A.
Molecular consequence: splice donor variant. On other transcripts: intron variant (4).
Genome position (GRCh38, 1-based): chr7:33,146,365, G>A. VCF-style: chr7-33146365-G-A. GRCh37 (hg19) VCF-style: chr7-33185977-G-A.
Other names: c.112+1G>A (NM_001348036.1, NM_001362679.1, NM_001348041.4 and 5 more transcripts); c.-166+1G>A (NM_001348038.3, NM_001348039.3); c.-190+1G>A (NM_001348037.3); c.-23-6336G>A (NM_001348042.3); c.-189-6336G>A (NM_001348045.3); c.-39+16324G>A (NM_001348046.3, NM_001348044.3).
Identifiers: ClinVar variation 4987029 (VCV004987029.1).

ClinVar aggregate classification (germline): Likely pathogenic (1 of 4 stars; one submission).

Conditions:
BBS9-related disorder. Also called: BBS9-related condition.

Submission:

PreventionGenetics, part of Exact Sciences
Classification: Likely pathogenic for BBS9-related condition. Last evaluated: 2025-01-28. Review status: criteria provided, single submitter. Criteria: ACMG Guidelines, 2015. Collection method: clinical testing. Allele origin: germline.
Comment: The BBS9 c.112+1G>A variant is predicted to disrupt the GT donor site and interfere with normal splicing. To our knowledge, this variant has not been reported in the literature or in a large population database (gnomAD), indicating this variant is rare. Variants that disrupt the consensus splice donor site in BBS9 are expected to be pathogenic. This variant is interpreted as likely pathogenic.